The following is an entry in ClinVar:

NM_000426.4(LAMA2):c.8609C>T (p.Thr2870Ile)

Gene: LAMA2 (laminin subunit alpha 2; plus strand). Cytogenetic location: 6q22.33.
Variant type: single nucleotide variant.
Coding change: c.8609C>T on transcript NM_000426.4 (MANE Select); coding-DNA position 8609, C replaced by T.
Protein change: p.Thr2870Ile; replaces threonine 2870 with isoleucine.
Molecular consequence: missense variant.
Genome position (GRCh38, 1-based): chr6:129,505,261, C>T. VCF-style: chr6-129505261-C-T. GRCh37 (hg19) VCF-style: chr6-129826406-C-T.
Other names: c.8609C>T (NM_000426.3); c.8597C>T, p.Thr2866Ile (NM_001079823.2); short protein forms T2866I, T2870I.
Identifiers: ClinVar variation 1521960 (VCV001521960.5), dbSNP rs375980229, ClinGen allele CA365634843.

ClinVar aggregate classification (germline): Uncertain significance. Review status: criteria provided, multiple submitters, no conflicts (2 of 4 stars). 3 submissions from 3 submitters: Uncertain significance (3). Last evaluated 2025-08-12.

Conditions:
Inborn genetic diseases. Identifiers: MedGen C0950123, MeSH D030342.
LAMA2-related muscular dystrophy (LAMA2-RD). Also called: Laminin alpha 2-related dystrophy. Identifiers: MedGen C5679788, MONDO:0100228.

Allele frequency attached by ClinVar (database versions not stated): TOPMed below 0.00001; gnomAD 0.00001; gnomAD exomes 0.00001 and 0.00002.
gnomAD v4.1: 33 of 1,613,506 alleles (0.002%); highest among the groups gnomAD compares: Non-Finnish European, 0.0028%; no homozygotes.

Submissions (3):

Ambry Genetics
Classification: Uncertain significance for Inborn genetic diseases. Last evaluated: 2025-08-12. Review status: criteria provided, single submitter. Criteria: Ambry Variant Classification Scheme 2023. Collection method: clinical testing. Allele origin: germline.

Revvity Omics, Revvity
Classification: Uncertain significance. Last evaluated: 2024-10-16. Review status: criteria provided, single submitter. Criteria: ACMG Guidelines, 2015. Collection method: clinical testing. Allele origin: germline.

Labcorp Genetics (formerly Invitae), Labcorp
Classification: Uncertain significance for LAMA2-related muscular dystrophy. Last evaluated: 2022-06-28. Review status: criteria provided, single submitter. Criteria: Invitae Variant Classification Sherloc (09022015). Collection method: clinical testing. Allele origin: germline.
Comment: This sequence change replaces threonine, which is neutral and polar, with isoleucine, which is neutral and non-polar, at codon 2870 of the LAMA2 protein (p.Thr2870Ile). This variant is present in population databases (no rsID available, gnomAD 0.003%). This variant has not been reported in the literature in individuals affected with LAMA2-related conditions. Advanced modeling of protein sequence and biophysical properties (such as structural, functional, and spatial information, amino acid conservation, physicochemical variation, residue mobility, and thermodynamic stability) performed at Invitae indicates that this missense variant is not expected to disrupt LAMA2 protein function. In summary, the available evidence is currently insufficient to determine the role of this variant in disease. Therefore, it has been classified as a Variant of Uncertain Significance.